The following is an entry in ClinVar:

NM_001110556.2(FLNA):c.1571G>A (p.Gly524Glu)

Gene: FLNA (filamin A; minus strand). Cytogenetic location: Xq28.
Variant type: single nucleotide variant.
Coding change: c.1571G>A on transcript NM_001110556.2 (MANE Select); coding-DNA position 1571, G replaced by A.
Protein change: p.Gly524Glu; replaces glycine 524 with glutamic acid.
Molecular consequence: missense variant.
Genome position (GRCh38, 1-based): chrX:154,365,256, C>T on the plus strand (G>A on the coding strand, the complement: FLNA is on the minus strand). VCF-style: chrX-154365256-C-T. GRCh37 (hg19) VCF-style: chrX-153593624-C-T.
Other names: p.Gly524Glu; c.1571G>A, p.Gly524Glu (NM_001456.4); short protein forms G524E.
Identifiers: ClinVar variation 440936 (VCV000440936.16), dbSNP rs1557178957, ClinGen allele CA415243276.
Genomic context (GRCh38, chrX:154,365,256, plus strand): 5'-GGGTAATACTCGAAGCCATACACGCCATCCCCCAGGTCCTTCTGCTTCACGCGCTCCTCT[C>T]CCTCTGCCAAGACAAGGAGGGCCTCAGGCCTGCCCAGCAGTGAACCCGGGGGCTGCCGCC-3'
Protein context (NP_001104026.1, residues 514-534): ELKVTVKGPK[Gly524Glu]EERVKQKDLG

ClinVar aggregate classification (germline): Uncertain significance. Review status: criteria provided, multiple submitters, no conflicts (2 of 4 stars). 6 submissions from 6 submitters: Uncertain significance (6). Last evaluated 2025-10-08.

Conditions:
Melnick-Needles syndrome (MNS). Also called: MELNICK-NEEDLES OSTEODYSPLASTY; Melnick-Needles Syndrome (FLNA-MNS); OSTEODYSPLASTY OF MELNICK AND NEEDLES. Identifiers: Orphanet 2484, MedGen C0025237, MONDO:0010650, OMIM 309350.
Cardiac valvular dysplasia, X-linked (CVDPX). Also called: FLNA-Related X-linked Cardiac Valvular Dysplasia; MYXOMATOUS VALVULAR DYSTROPHY, X-LINKED; Congenital valvular dysplasia; Isolated X-Linked Cardiac Valvular Dysplasia; VALVULAR HEART DISEASE, CONGENITAL. Identifiers: Orphanet 1864, Orphanet 555877, Orphanet 75497, MedGen C0262436, MONDO:0010753, OMIM 314400.
Oto-palato-digital syndrome, type II (OPD2). Also called: Otopalatodigital Syndrome, Type II; FACIOPALATOOSSEOUS SYNDROME; Otopalatodigital Syndrome Type 2 (FLNA-OPD2); OPD II SYNDROME. Identifiers: Orphanet 669, Orphanet 90652, MedGen C1844696, MONDO:0010571, OMIM 304120.
Oto-palato-digital syndrome, type I (OPD1). Also called: Otopalatodigital Syndrome, Type I; Taybi syndrome; Otopalatodigital Syndrome Type 1 (FLNA-OPD1); OPD I SYNDROME; OPD SYNDROME 1. Identifiers: Orphanet 669, Orphanet 90650, MedGen C0265251, MONDO:0010704, OMIM 311300.
Heterotopia, periventricular, X-linked dominant (PVNH1). Also called: X-linked periventricular heterotopia; PERIVENTRICULAR NODULAR HETEROTOPIA 4; HETEROTOPIA, PERIVENTRICULAR, 1; PERIVENTRICULAR NODULAR HETEROTOPIA 1. Identifiers: Orphanet 2149, Orphanet 82004, MedGen C1848213, MONDO:0010233, OMIM 300049.
Frontometaphyseal dysplasia 1 (FMD1). Also called: Frontometaphyseal Dysplasia (FLNA-FMD). Identifiers: Orphanet 1826, MedGen C4281559, MONDO:0024550, OMIM 305620.
FG syndrome 2 (FGS2). Identifiers: MedGen C1845902, MONDO:0010297, OMIM 300321.
Frontometaphyseal dysplasia (FMD1). Identifiers: Orphanet 1826, MedGen C0265293, MONDO:0015942.
Terminal osseous dysplasia-pigmentary defects syndrome. Also called: ODPD; TERMINAL OSSEOUS DYSPLASIA AND PIGMENTARY DEFECTS; Terminal Osseous Dysplasia (FLNA-TOD); ODPF SYNDROME; OSSEOUS DYSPLASIA, DIGITAL, WITH FACIAL PIGMENTARY DEFECTS AND MULTIPLE FRENULA. Identifiers: Orphanet 88630, MedGen C1846129, MONDO:0010279, OMIM 300244.
Intestinal pseudoobstruction, neuronal, chronic idiopathic, X-linked (CIIPX). Also called: CONGENITAL IDIOPATHIC INTESTINAL PSEUDOOBSTRUCTION; INTESTINAL PSEUDOOBSTRUCTION, NEURONAL, CHRONIC IDIOPATHIC, WITH CENTRAL NERVOUS SYSTEM INVOLVEMENT; FLNA-Related Periventricular Nodular Heterotopia (FLNA-Related PVNH; Huttenlocher Syndrome). Identifiers: Orphanet 2301, MedGen C2746068, MONDO:0010232, OMIM 300048.

Allele frequency attached by ClinVar (database versions not stated): gnomAD exomes below 0.00001; TOPMed 0.00001.
gnomAD v4.1: 1 of 1,212,004 alleles (0.000083%); highest among the groups gnomAD compares: East Asian, 0.003%; no homozygotes.

Submissions (6):

Women's Health and Genetics/Laboratory Corporation of America, LabCorp
Classification: Uncertain significance. Last evaluated: 2025-10-08. Review status: criteria provided, single submitter. Criteria: LabCorp Variant Classification Summary - May 2015. Collection method: clinical testing. Allele origin: germline.
Comment: Variant summary: FLNA c.1571G>A (p.Gly524Glu) results in a non-conservative amino acid change in the encoded protein sequence. Algorithms developed to predict the effect of missense changes on protein structure and function all suggest that this variant is likely to be disruptive. The variant was absent in 181503 control chromosomes (gnomAD). The available data on variant occurrences in the general population are insufficient to allow any conclusion about variant significance. c.1571G>A has been observed in at least one individual affected with Heterotaxy syndrome (Liang_2020). The report does not provide unequivocal conclusions about association of the variant with Periventricular Nodular Heterotopia. To our knowledge, no experimental evidence demonstrating an impact on protein function has been reported. The following publication have been ascertained in the context of this evaluation (PMID: 32738303). ClinVar contains an entry for this variant (Variation ID: 440936). Based on the evidence outlined above, the variant was classified as uncertain significance.

Labcorp Genetics (formerly Invitae), Labcorp
Classification: Uncertain significance for Oto-palato-digital syndrome, type II; Heterotopia, periventricular, X-linked dominant; Frontometaphyseal dysplasia; Melnick-Needles syndrome. Last evaluated: 2025-06-10. Review status: criteria provided, single submitter. Criteria: Invitae Variant Classification Sherloc (09022015). Collection method: clinical testing. Allele origin: germline.
Comment: This sequence change replaces glycine, which is neutral and non-polar, with glutamic acid, which is acidic and polar, at codon 524 of the FLNA protein (p.Gly524Glu). This variant is not present in population databases (gnomAD no frequency). This missense change has been observed in individual(s) with heterotaxy syndrome (PMID: 32738303). ClinVar contains an entry for this variant (Variation ID: 440936). Invitae Evidence Modeling of protein sequence and biophysical properties (such as structural, functional, and spatial information, amino acid conservation, physicochemical variation, residue mobility, and thermodynamic stability) indicates that this missense variant is not expected to disrupt FLNA protein function with a negative predictive value of 95%. In summary, the available evidence is currently insufficient to determine the role of this variant in disease. Therefore, it has been classified as a Variant of Uncertain Significance.

Mayo Clinic Laboratories, Mayo Clinic
Classification: Uncertain significance. Last evaluated: 2025-05-05. Review status: criteria provided, single submitter. Criteria: ACMG Guidelines, 2015. Collection method: clinical testing. Allele origin: germline. Observed: 2 variant alleles.
Comment: PP2, PP3_moderate, PM2_supporting

GeneDx
Classification: Uncertain significance. Last evaluated: 2022-06-09. Review status: criteria provided, single submitter. Criteria: GeneDx Variant Classification Process June 2021. Collection method: clinical testing. Allele origin: germline. Affected: yes.
Comment: Reported in a patient with heterotaxy syndrome, but segregation and detailed clinical information are not provided (Liang et al., 2020); In silico analysis supports that this missense variant has a deleterious effect on protein structure/function; In silico analysis, which includes splice predictors and evolutionary conservation, suggests this variant may impact gene splicing. In the absence of RNA/functional studies, the actual effect of this sequence change is unknown.; Not observed at significant frequency in large population cohorts (gnomAD); This variant is associated with the following publications: (PMID: 25686753, 32078439, 32738303)

Blueprint Genetics
Classification: Uncertain significance. Last evaluated: 2018-06-30. Review status: criteria provided, single submitter. Criteria: ACMG Guidelines, 2015. Collection method: clinical testing. Allele origin: germline.

Juno Genomics, Hangzhou Juno Genomics, Inc
Classification: Uncertain significance for FG syndrome 2; Cardiac valvular dysplasia, X-linked; Intestinal pseudoobstruction, neuronal, chronic idiopathic, X-linked; Frontometaphyseal dysplasia 1; Heterotopia, periventricular, X-linked dominant; Melnick-Needles syndrome; Oto-palato-digital syndrome, type I; Oto-palato-digital syndrome, type II; Terminal osseous dysplasia-pigmentary defects syndrome. Review status: criteria provided, single submitter. Criteria: ACMG Guidelines, 2015. Collection method: clinical testing. Allele origin: germline.
Comment: Absent from controls (or at extremely low frequency if recessive) in Genome Aggregation Database.;Multiple lines of computational evidence support a deleterious effect on the gene or gene product.

Literature cited by the submitters: PubMed 32738303 (cited by Women's Health and Genetics/Laboratory Corporation of America, LabCorp and Labcorp Genetics (formerly Invitae), Labcorp).